The following is an entry in ClinVar:

ClinVar aggregate classification (germline): Pathogenic. Review status: reviewed by expert panel (3 of 4 stars). 6 submissions from 6 submitters: Pathogenic (1). 5 of the submissions do not count toward it. Last evaluated 2016-10-18.

Conditions:
Familial cancer of breast. Also called: hereditary breast carcinoma; BREAST CANCER, FAMILIAL; Hereditary breast cancer. Identifiers: Orphanet 227535, MedGen C0346153, MONDO:0016419, OMIM 114480. Disease mechanism: loss of function.
Breast-ovarian cancer, familial, susceptibility to, 2 (BROVCA2). Also called: BRCA2 Hereditary Breast and Ovarian Cancer. Identifiers: Orphanet 145, MedGen C2675520, MONDO:0012933, OMIM 612555. Disease mechanism: loss of function.
Hereditary cancer-predisposing syndrome. Also called: Hereditary neoplastic syndrome; Neoplastic Syndromes, Hereditary; Tumor predisposition; Hereditary Cancer Syndrome. Identifiers: Orphanet 140162, MedGen C0027672, MeSH D009386, MONDO:0015356.
Hereditary breast ovarian cancer syndrome. Also called: BRCA1- and BRCA2-Associated Hereditary Breast and Ovarian Cancer; Hereditary breast and ovarian cancer; Breast and ovarian cancer; Hereditary breast and/or ovarian cancer syndrome; Hereditary breast and ovarian cancer syndrome; Hereditary breast and ovarian cancer syndrome (HBOC). Identifiers: Orphanet 145, MedGen C0677776, MeSH D061325, MONDO:0003582. Disease mechanism: loss of function.

Submissions (6):

Evidence-based Network for the Interpretation of Germline Mutant Alleles (ENIGMA)
Classification: Pathogenic for Breast-ovarian cancer, familial, susceptibility to, 2. Last evaluated: 2016-10-18. Review status: reviewed by expert panel. Criteria: ENIGMA BRCA1/2 Classification Criteria (2015). Collection method: curation. Allele origin: germline.
Comment: Variant allele predicted to encode a truncated non-functional protein.

Labcorp Genetics (formerly Invitae), Labcorp
Classification: Pathogenic for Hereditary breast ovarian cancer syndrome. Last evaluated: 2024-07-19. Review status: criteria provided, single submitter. Criteria: Invitae Variant Classification Sherloc (09022015). Collection method: clinical testing. Allele origin: germline. Not counted in ClinVar's aggregate classification.
Comment: This sequence change creates a premature translational stop signal (p.Glu3111Profs*4) in the BRCA2 gene. It is expected to result in an absent or disrupted protein product. Loss-of-function variants in BRCA2 are known to be pathogenic (PMID: 20104584). This variant is not present in population databases (gnomAD no frequency). This variant has not been reported in the literature in individuals affected with BRCA2-related conditions. For these reasons, this variant has been classified as Pathogenic.

Baylor Genetics
Classification: Pathogenic for Familial cancer of breast. Last evaluated: 2023-03-21. Review status: criteria provided, single submitter. Criteria: ACMG Guidelines, 2015. Collection method: clinical testing. Allele origin: unknown. Not counted in ClinVar's aggregate classification.

Ambry Genetics
Classification: Pathogenic for Hereditary cancer-predisposing syndrome. Last evaluated: 2021-06-25. Review status: criteria provided, single submitter. Criteria: Ambry Variant Classification Scheme 2023. Collection method: clinical testing. Allele origin: germline. Not counted in ClinVar's aggregate classification.
Comment: The c.9331_9335delGAGGAinsCCT pathogenic mutation, located in coding exon 24 of the BRCA2 gene, results from the deletion of 5 nucleotides and insertion of 3 nucleotides causing a translational frameshift with a predicted alternate stop codon (p.E3111Pfs*4). This alteration was identified in a large, worldwide study of BRCA1/2 mutation positive families (Rebbeck TR et al. Hum Mutat, 2018 05;39:593-620). In addition to the clinical data presented in the literature, this alteration is expected to result in loss of function by premature protein truncation or nonsense-mediated mRNA decay. As such, this alteration is interpreted as a disease-causing mutation.

Quest Diagnostics Nichols Institute San Juan Capistrano
Classification: Likely pathogenic. Last evaluated: 2020-09-16. Review status: criteria provided, single submitter. Criteria: Quest Diagnostics criteria. Collection method: clinical testing. Allele origin: unknown. Not counted in ClinVar's aggregate classification.
Comment: This frameshift variant is predicted to cause the premature termination of BRCA2 protein synthesis. To the best of our knowledge, the variant has not been reported in the published literature. This variant has not been reported in large, multi-ethnic general populations. Based on the available information, we predict that the variant is likely pathogenic.

Consortium of Investigators of Modifiers of BRCA1/2 (CIMBA), c/o University of Cambridge
Classification: Pathogenic for Breast-ovarian cancer, familial, susceptibility to, 2. Last evaluated: 2015-10-02. Review status: criteria provided, single submitter. Criteria: CIMBA Mutation Classification guidelines May 2016. Collection method: clinical testing. Allele origin: germline. Not counted in ClinVar's aggregate classification.

Literature cited by the submitters: PubMed 20104584 (cited by Labcorp Genetics (formerly Invitae), Labcorp); PubMed 29446198 (cited by Ambry Genetics).

NM_000059.4(BRCA2):c.9331_9335delinsCCT (p.Glu3111fs)

Gene: BRCA2 (BRCA2 DNA repair associated; plus strand). Cytogenetic location: 13q13.1.
Variant type: Indel.
Coding change: c.9331_9335delinsCCT on transcript NM_000059.4 (MANE Select); coding-DNA positions 9331 to 9335, GAGGA replaced by CCT.
Protein change: p.Glu3111fs; shifts the reading frame from glutamic acid 3111.
Molecular consequence: frameshift variant.
Genome position (GRCh38, 1-based): chr13:32,394,763-32,394,767, GAGGA replaced by CCT. VCF-style: chr13-32394763-GAGGA-CCT. GRCh37 (hg19) VCF-style: chr13-32968900-GAGGA-CCT.
Other names: 9558ins3del5; c.9235_9239delGAGGAinsCCT, p.Glu3079Profs (NM_001406719.1); c.9280_9284delGAGGAinsCCT, p.Glu3094Profs (NM_001406720.1); c.4399_4403delGAGGAinsCCT, p.Glu1467Profs (NM_001406721.1); c.2914_2918delGAGGAinsCCT, p.Glu972Profs (NM_001406722.1); short protein forms E3111fs.
Identifiers: ClinVar variation 267152 (VCV000267152.14), dbSNP rs886040831, ClinGen allele CA10589558.